The following is an entry in ClinVar:

NM_133642.5(LARGE1):c.1287+146C>T

Gene: LARGE1 (LARGE xylosyl- and glucuronyltransferase 1; minus strand). Cytogenetic location: 22q12.3.
Variant type: single nucleotide variant.
Coding change: c.1287+146C>T on transcript NM_133642.5 (MANE Select); 146 bases into the intron after coding-DNA position 1287, C replaced by T.
Molecular consequence: intron variant.
Genome position (GRCh38, 1-based): chr22:33,337,500, G>A on the plus strand (C>T on the coding strand, the complement: LARGE1 is on the minus strand). VCF-style: chr22-33337500-G-A. GRCh37 (hg19) VCF-style: chr22-33733486-G-A.
Other names: c.1287+146C>T (NM_001362953.2, NM_001362949.2, NM_001378627.1 and 6 more transcripts); c.1132-21252C>T (NM_001378629.1); c.529-21252C>T (NM_001378631.1); c.684+146C>T (NM_001378630.1).
Identifiers: ClinVar variation 670455 (VCV000670455.1), dbSNP rs138816517, ClinGen allele CA323715863.
Genomic context (GRCh38, chr22:33,337,500, plus strand): 5'-ACCCTGTCTGCATCCACAATGATGAGCATGCAAAGGACCCGCTGATGTACCTCTCTCCCC[G>A]ACTAGATGGTGGACCCTGGGCACCGATGGCGTTGTGTTCACCTAGGTCCTGCCATGAGCC-3'

ClinVar aggregate classification (germline): Likely benign (1 of 4 stars; one submission).

Allele frequency attached by ClinVar (database versions not stated): 1000 Genomes Project 30x 0.00750; 1000 Genomes Project 0.00819; gnomAD 0.00980 and 0.00988; TOPMed 0.00993.
gnomAD v4.1: 11,011 of 881,778 alleles (1.2%); highest among the groups gnomAD compares: Middle Eastern, 3.5%; 101 homozygotes.

Submission:

GeneDx
Classification: Likely benign. Last evaluated: 2018-06-16. Review status: criteria provided, single submitter. Criteria: GeneDx Variant Classification (06012015). Collection method: clinical testing. Allele origin: germline. Affected: yes.
Comment: This variant is considered likely benign or benign based on one or more of the following criteria: it is a conservative change, it occurs at a poorly conserved position in the protein, it is predicted to be benign by multiple in silico algorithms, and/or has population frequency not consistent with disease.